The following is an entry in ClinVar:

NM_003482.4(KMT2D):c.5441G>A (p.Arg1814Lys)

Gene: KMT2D (lysine methyltransferase 2D; minus strand). Cytogenetic location: 12q13.12.
Variant type: single nucleotide variant.
Coding change: c.5441G>A on transcript NM_003482.4 (MANE Select); coding-DNA position 5441, G replaced by A.
Protein change: p.Arg1814Lys; replaces arginine 1814 with lysine.
Molecular consequence: missense variant.
Genome position (GRCh38, 1-based): chr12:49,043,661, C>T on the plus strand (G>A on the coding strand, the complement: KMT2D is on the minus strand). VCF-style: chr12-49043661-C-T. GRCh37 (hg19) VCF-style: chr12-49437444-C-T.
Other names: short protein forms R1814K.
Identifiers: ClinVar variation 3063900 (VCV003063900.1), dbSNP rs1438049716, ClinGen allele CA384631388.
Genomic context (GRCh38, chr12:49,043,661, plus strand): 5'-ATTCTCTCACACCACTCACTCCCACATAACTAACCTTTCTGCGATGTGGGGAGTTCCTTC[C>T]TTTCTGAGCCTCCATCTCCCTTGGCTTTTGGGGTCCCTAGTCCAAAGCTTGGCCGGCCCA-3'
Protein context (NP_003473.3, residues 1804-1824): PKAKGDGGSE[Arg1814Lys]KELPTSQKGD

ClinVar aggregate classification (germline): Uncertain significance (1 of 4 stars; one submission).

Allele frequency attached by ClinVar (database versions not stated): gnomAD exomes below 0.00001; TOPMed below 0.00001.
gnomAD v4.1: 1 of 1,614,036 alleles (0.000062%); highest among the groups gnomAD compares: Middle Eastern, 0.016%; no homozygotes.

Submission:

Women's Health and Genetics/Laboratory Corporation of America, LabCorp
Classification: Uncertain significance. Last evaluated: 2024-01-02. Review status: criteria provided, single submitter. Criteria: LabCorp Variant Classification Summary - May 2015. Collection method: clinical testing. Allele origin: germline.
Comment: Variant summary: MLL2 c.5441G>A (p.Arg1814Lys) results in a conservative amino acid change in the encoded protein sequence. Five of five in-silico tools predict a benign effect of the variant on protein function. The variant allele was found at a frequency of 4e-06 in 249168 control chromosomes. The available data on variant occurrences in the general population are insufficient to allow any conclusion about variant significance. To our knowledge, no occurrence of c.5441G>A in individuals affected with Kabuki Syndrome 1 and no experimental evidence demonstrating its impact on protein function have been reported. No submitters have cited clinical-significance assessments for this variant to ClinVar after 2014. Based on the evidence outlined above, the variant was classified as uncertain significance.